The following is an entry in ClinVar:

NM_000245.4(MET):c.2437C>A (p.Leu813Ile)

Gene: MET (MET proto-oncogene, receptor tyrosine kinase; plus strand). Cytogenetic location: 7q31.2.
Variant type: single nucleotide variant.
Coding change: c.2437C>A on transcript NM_000245.4 (MANE Select); coding-DNA position 2437, C replaced by A.
Protein change: p.Leu813Ile; replaces leucine 813 with isoleucine.
Molecular consequence: missense variant.
Genome position (GRCh38, 1-based): chr7:116,763,122, C>A. VCF-style: chr7-116763122-C-A. GRCh37 (hg19) VCF-style: chr7-116403176-C-A.
Other names: c.2491C>A, p.Leu831Ile (NM_001127500.3); c.2437C>A, p.Leu813Ile (NM_001324401.3); c.1147C>A, p.Leu383Ile (NM_001324402.2); short protein forms L831I, L813I, L383I.
Identifiers: ClinVar variation 841134 (VCV000841134.10), dbSNP rs745345346, ClinGen allele CA4448488.

ClinVar aggregate classification (germline): Uncertain significance. Review status: criteria provided, multiple submitters, no conflicts (2 of 4 stars). 2 submissions from 2 submitters: Uncertain significance (2). Last evaluated 2025-05-05.

Conditions:
Hereditary cancer-predisposing syndrome. Also called: Hereditary Cancer Syndrome; Hereditary neoplastic syndrome; Tumor predisposition; Neoplastic Syndromes, Hereditary. Identifiers: Orphanet 140162, MedGen C0027672, MeSH D009386, MONDO:0015356.
Renal cell carcinoma. Identifiers: Orphanet 217071, MedGen C0007134, MeSH D002292, MONDO:0005086, HP:0005584.

Allele frequency attached by ClinVar (database versions not stated): gnomAD exomes 0.00001 and 0.00002; ExAC 0.00003.
gnomAD v4.1: 8 of 1,614,052 alleles (0.0005%); highest among the groups gnomAD compares: Non-Finnish European, 0.00068%; no homozygotes.

Submissions (2):

Ambry Genetics
Classification: Uncertain significance for Hereditary cancer-predisposing syndrome. Last evaluated: 2025-05-05. Review status: criteria provided, single submitter. Criteria: Ambry Variant Classification Scheme 2023. Collection method: clinical testing. Allele origin: germline.
Comment: The p.L831I variant (also known as c.2491C>A), located in coding exon 10 of the MET gene, results from a C to A substitution at nucleotide position 2491. The leucine at codon 831 is replaced by isoleucine, an amino acid with highly similar properties. This amino acid position is not well conserved in available vertebrate species. In addition, this alteration is predicted to be tolerated by in silico analysis. Based on the available evidence, the clinical significance of this variant remains unclear.

Labcorp Genetics (formerly Invitae), Labcorp
Classification: Uncertain significance for Renal cell carcinoma. Last evaluated: 2022-09-24. Review status: criteria provided, single submitter. Criteria: Invitae Variant Classification Sherloc (09022015). Collection method: clinical testing. Allele origin: germline.
Comment: In summary, the available evidence is currently insufficient to determine the role of this variant in disease. Therefore, it has been classified as a Variant of Uncertain Significance. Advanced modeling of protein sequence and biophysical properties (such as structural, functional, and spatial information, amino acid conservation, physicochemical variation, residue mobility, and thermodynamic stability) performed at Invitae indicates that this missense variant is not expected to disrupt MET protein function. This sequence change replaces leucine, which is neutral and non-polar, with isoleucine, which is neutral and non-polar, at codon 831 of the MET protein (p.Leu831Ile). This variant is present in population databases (rs745345346, gnomAD 0.004%). This variant has not been reported in the literature in individuals affected with MET-related conditions. ClinVar contains an entry for this variant (Variation ID: 841134).